The following is an entry in ClinVar:

ClinVar aggregate classification (germline): Pathogenic. Review status: criteria provided, multiple submitters, no conflicts (2 of 4 stars). 9 submissions from 9 submitters: Pathogenic (9). Last evaluated 2025-08-14.
ClinVar aggregate classification (oncogenicity): Likely oncogenic (1 of 4 stars; one submission).

Conditions:
Melanoma and neural system tumor syndrome. Also called: MELANOMA-ASTROCYTOMA SYNDROME. Identifiers: Orphanet 252206, MedGen C1835042, MONDO:0007967, OMIM 155755.
Melanoma, cutaneous malignant, susceptibility to, 2 (CMM2). Also called: CDKN2A-Related Cutaneous Malignant Melanoma; Cutaneous malignant melanoma 2. Identifiers: Orphanet 618, MedGen C1835044, MONDO:0007964, OMIM 155601.
Melanoma-pancreatic cancer syndrome. Identifiers: Orphanet 404560, MedGen C1838547, MONDO:0011713, OMIM 606719. Disease mechanism: loss of function.
Hereditary cancer-predisposing syndrome. Also called: Tumor predisposition; Hereditary Cancer Syndrome; Neoplastic Syndromes, Hereditary; Hereditary neoplastic syndrome. Identifiers: Orphanet 140162, MedGen C0027672, MeSH D009386, MONDO:0015356.
Familial melanoma. Also called: Hereditary melanoma; Hereditary cutaneous melanoma. Identifiers: Orphanet 618, MedGen C1512419, MONDO:0018961.
Neoplasm. Also called: Neoplasms; Neoplasm (disease); tumor. Identifiers: MedGen C0027651, MeSH D009369, MONDO:0005070, HP:0002664.

Allele frequency attached by ClinVar (database versions not stated): gnomAD exomes below 0.00001; TOPMed below 0.00001; ExAC 0.00001.

Submissions (10):

Center for Genomic Medicine, Rigshospitalet, Copenhagen University Hospital
Classification: Likely oncogenic for Neoplasm. Last evaluated: 2025-12-29. Review status: criteria provided, single submitter. Criteria: ClinGen/CGC/VICC Guidelines for Oncogenicity, 2022. Collection method: clinical testing. Allele origin: somatic. Affected: yes.

Myriad Genetics, Inc.
Classification: Pathogenic for Melanoma-pancreatic cancer syndrome. Last evaluated: 2025-08-14. Review status: criteria provided, single submitter. Criteria: Myriad Autosomal Dominant, Autosomal Recessive and X-Linked Classification Criteria (2023). Collection method: clinical testing. Allele origin: unknown.
Comment: This variant is considered pathogenic. This variant creates a termination codon and is predicted to result in premature protein truncation.

Color Diagnostics, LLC DBA Color Health
Classification: Pathogenic for Hereditary cancer-predisposing syndrome. Last evaluated: 2025-05-12. Review status: criteria provided, single submitter. Criteria: ACMG Guidelines, 2015. Collection method: clinical testing. Allele origin: germline.
Comment: The CDKN2A locus encodes two different gene products, p16INK4a and p14ARF. This variant inserts 1 nucleotide in exon 1/3 of the CDKN2A (p16INK4A) gene, creating a frameshift and premature translation stop signal. This variant is expected to result in an absent or non-functional protein product. This variant has been reported in individuals with a personal and/or family history of melanoma (PMID: 9699728, 16234564, 17218939, 26681309, 37611275). This variant has been identified in 1/247222 chromosomes in the general population by the Genome Aggregation Database (gnomAD). Loss of CDKN2A function is a known mechanism of disease. Based on the available evidence, this variant is classified as Pathogenic.

Molecular Diagnostics Laboratory, Catalan Institute of Oncology
Classification: Pathogenic for Hereditary cancer-predisposing syndrome. Last evaluated: 2025-03-03. Review status: criteria provided, single submitter. Criteria: ACMG Guidelines, 2015. Collection method: clinical testing. Allele origin: germline.
Comment: PVS1, PS4, PM2_Supporting c.131dup, located in exon 1 of transcript NM_000077.5 (p16INK4a) of the CDKN2A gene, is expected to result in loss of function by premature protein truncation and nonsense-mediated mRNA decay, p.(Tyr44*) (PVS1). It is not present in the population database gnomAD v2.1.1, non-cancer dataset (PM2_supporting). The SpliceAI algorithm predicts no significant impact on splicing. The CDKN2A gene encodes two different proteins, p16INK4a and p14ARF, which are translated from alternative transcripts with different open reading frames. However this variant is located in a deep intronic position (c.194-3489dup) regarding to the other transcript (p14ARF; NM_058195.4), where it is predicted by SpliceAI to have no effect on splicing, either. This variant has been reported in at least five probands with melanoma and it has also been observed to segregate with disease in one of these families (PMIDs: 16234564, 17218939, 26681309, 9699728, 37611275) (PS4). This variant has been reported in the ClinVar (4x pathogenic) and LOVD (3x pathogenic) databases. Based on currently available information, the variant c.131dup should be considered a pathogenic variant.

Ambry Genetics
Classification: Pathogenic for Hereditary cancer-predisposing syndrome. Last evaluated: 2024-11-14. Review status: criteria provided, single submitter. Criteria: Ambry Variant Classification Scheme 2023. Collection method: clinical testing. Allele origin: germline.
Comment: The c.131dupA pathogenic mutation, located in coding exon 1 of the CDKN2A gene, results from a duplication of A at nucleotide position 131. This changes the amino acid from a tyrosine to a stop codon within coding exon 1 (p.Y44*). This alteration has been reported in multiple individuals with personal and/or family history of cutaneous melanoma (Begg CB et al. J. Natl. Cancer Inst. 2005 Oct;97(20):1507-15; Potrony M et al. J Am Acad Dermatol. 2014 Nov;71(5):888-95). This variant is considered to be rare based on population cohorts in the Genome Aggregation Database (gnomAD). Of note, this alteration is also designated c.131_132insA in published literature. In addition to the clinical data presented in the literature, this alteration is expected to result in loss of function by premature protein truncation or nonsense-mediated mRNA decay. As such, this alteration is interpreted as a disease-causing mutation.

Department of Pathology and Laboratory Medicine, Sinai Health System
Classification: Pathogenic for Melanoma, cutaneous malignant, susceptibility to, 2; Melanoma and neural system tumor syndrome; Melanoma-pancreatic cancer syndrome. Last evaluated: 2024-10-01. Review status: criteria provided, single submitter. Criteria: ACMG Guidelines, 2015. Collection method: clinical testing. Allele origin: germline.

Quest Diagnostics Nichols Institute San Juan Capistrano
Classification: Pathogenic. Last evaluated: 2024-04-02. Review status: criteria provided, single submitter. Criteria: Quest Diagnostics criteria. Collection method: clinical testing. Allele origin: unknown.
Comment: The CDKN2A c.131dup (p.Tyr44*) variant causes the premature termination of CDKN2A protein synthesis. This variant has been reported in the published literature in multiple individuals affected with melanoma (PMID: 9699728 (1998), 17218939 (2007), 26681309 (2016), 29922827 (2018), 37611275 (2023)). Based on the available information, this variant is classified as pathogenic.

Baylor Genetics
Classification: Pathogenic for Melanoma and neural system tumor syndrome. Last evaluated: 2024-02-03. Review status: criteria provided, single submitter. Criteria: ACMG Guidelines, 2015. Collection method: clinical testing. Allele origin: unknown.

Labcorp Genetics (formerly Invitae), Labcorp
Classification: Pathogenic for Familial melanoma. Last evaluated: 2023-11-25. Review status: criteria provided, single submitter. Criteria: Invitae Variant Classification Sherloc (09022015). Collection method: clinical testing. Allele origin: germline.
Comment: This sequence change creates a premature translational stop signal (p.Tyr44*) in the CDKN2A (p16INK4a) gene. It is expected to result in an absent or disrupted protein product. Loss-of-function variants in CDKN2A (p16INK4a) are known to be pathogenic (PMID: 15146471, 16905682). This variant is present in population databases (rs730881673, gnomAD 0.0009%). This premature translational stop signal has been observed in individual(s) with melanoma (PMID: 16234564, 17218939, 26681309). This variant is also known as c.131_132insA. ClinVar contains an entry for this variant (Variation ID: 483336). For these reasons, this variant has been classified as Pathogenic.

GeneDx
Classification: Pathogenic. Last evaluated: 2023-04-25. Review status: criteria provided, single submitter. Criteria: GeneDx Variant Classification Process June 2021. Collection method: clinical testing. Allele origin: germline. Affected: yes.
Comment: Nonsense variant predicted to result in protein truncation or nonsense mediated decay in a gene for which loss of function is a known mechanism of disease; Not observed at significant frequency in large population cohorts (gnomAD); This variant is associated with the following publications: (PMID: 25064638, 27161972, 35706071, 26907448, 31856090, 35810469, 16234564, 9699728, 17218939, 32482799, 26681309, 25356972, 29922827)

Literature cited by the submitters: PubMed 9053859 (cited by Center for Genomic Medicine, Rigshospitalet, Copenhagen University Hospital); PubMed 8668202 (cited by Center for Genomic Medicine, Rigshospitalet, Copenhagen University Hospital); PubMed 9699728 (cited by 3 submitters); PubMed 16234564 (cited by 4 submitters); PubMed 17218939 (cited by 5 submitters); PubMed 26681309 (cited by 4 submitters); PubMed 37611275 (cited by Color Diagnostics, LLC DBA Color Health and Quest Diagnostics Nichols Institute San Juan Capistrano); PubMed 31856090 (cited by Ambry Genetics); PubMed 29922827 (cited by Quest Diagnostics Nichols Institute San Juan Capistrano); PubMed 15146471 (cited by Labcorp Genetics (formerly Invitae), Labcorp); PubMed 16905682 (cited by Labcorp Genetics (formerly Invitae), Labcorp).

NM_000077.5(CDKN2A):c.131dup (p.Tyr44Ter)

Gene: CDKN2A (cyclin dependent kinase inhibitor 2A; minus strand). Cytogenetic location: 9p21.3.
Variant type: Duplication.
Coding change: c.131dup on transcript NM_000077.5 (MANE Select); coding-DNA position 131, one base duplicated (A; older notation c.131dupA).
Protein change: p.Tyr44Ter; replaces tyrosine 44 with a stop codon.
Molecular consequence: nonsense. On other transcripts: frameshift variant (2), intron variant (2).
Genome position (GRCh38, 1-based): chr9:21,974,697, T duplicated on the plus strand (A on the coding strand, the reverse complement: CDKN2A is on the minus strand). VCF-style (leftmost placement, unchanged base first): chr9-21974696-G-GT. GRCh37 (hg19) VCF-style: chr9-21974695-G-GT.
Other names: c.131dup, p.Tyr44Terfs (NM_000077.6); c.131dup, p.Tyr44Ter (NM_001195132.2, NM_058197.5); c.-3-3489dup (NM_001363763.2); c.194-3489dup (NM_058195.4); c.131dupA (NM_000077.4, NM_000077.5); short protein forms Y44*.
Identifiers: ClinVar variation 483336 (VCV000483336.20), dbSNP rs730881673, ClinGen allele CA5012308.
Genomic context (GRCh38, chr9:21,974,696, plus strand): 5'-TCGCCCGCCATCCCCTGCTCCCGCTGCAGACCCTCTACCCACCTGGATCGGCCTCCGACC[G>GT]TAACTATTCGGTGCGTTGGGCAGCGCCCCCGCCTCCAGCAGCGCCCGCACCTCCTCTACC-3'